The following is an entry in ClinVar:

NM_003705.5(SLC25A12):c.910C>G (p.Leu304Val)

Gene: SLC25A12 (solute carrier family 25 member 12; minus strand). Cytogenetic location: 2q31.1.
Variant type: single nucleotide variant.
Coding change: c.910C>G on transcript NM_003705.5 (MANE Select); coding-DNA position 910, C replaced by G.
Protein change: p.Leu304Val; replaces leucine 304 with valine.
Molecular consequence: missense variant. On other transcripts: non-coding transcript variant (1).
Genome position (GRCh38, 1-based): chr2:171,826,818, G>C on the plus strand (C>G on the coding strand, the complement: SLC25A12 is on the minus strand). VCF-style: chr2-171826818-G-C. GRCh37 (hg19) VCF-style: chr2-172683328-G-C.
Other names: short protein forms L304V.
Identifiers: ClinVar variation 658208 (VCV000658208.8), dbSNP rs372449488, ClinGen allele CA349290649.
Genomic context (GRCh38, chr2:171,826,818, plus strand): 5'-CATTTTTTTAAGGTGATCATATTTATGAGATTACTCATACCTGTCTCTGAAGTTCTGCCA[G>C]GTTGTAAGGTAAGGCCCCCTCAGCCAATGGGGCTATTCTCTCAATATCTGCCAAAGTCAA-3'
Protein context (NP_003696.2, residues 294-314): PLAEGALPYN[Leu304Val]AELQRQQSPG

ClinVar aggregate classification (germline): Uncertain significance (1 of 4 stars; one submission).

Allele frequency attached by ClinVar (database versions not stated): TOPMed 0.00001; gnomAD 0.00003.

Submission:

Labcorp Genetics (formerly Invitae), Labcorp
Classification: Uncertain significance. Last evaluated: 2024-10-16. Review status: criteria provided, single submitter. Criteria: Invitae Variant Classification Sherloc (09022015). Collection method: clinical testing. Allele origin: germline.
Comment: This sequence change replaces leucine, which is neutral and non-polar, with valine, which is neutral and non-polar, at codon 304 of the SLC25A12 protein (p.Leu304Val). This variant is present in population databases (no rsID available, gnomAD 0.008%). This variant has not been reported in the literature in individuals affected with SLC25A12-related conditions. ClinVar contains an entry for this variant (Variation ID: 658208). Invitae Evidence Modeling of protein sequence and biophysical properties (such as structural, functional, and spatial information, amino acid conservation, physicochemical variation, residue mobility, and thermodynamic stability) indicates that this missense variant is not expected to disrupt SLC25A12 protein function with a negative predictive value of 80%. In summary, the available evidence is currently insufficient to determine the role of this variant in disease. Therefore, it has been classified as a Variant of Uncertain Significance.